The following is an entry in ClinVar:

NM_178565.5(RSPO2):c.633_634delinsAA (p.Ala212Thr)

Gene: RSPO2 (R-spondin 2; minus strand). Cytogenetic location: 8q23.1.
Variant type: Indel.
Coding change: c.633_634delinsAA on transcript NM_178565.5 (MANE Select); coding-DNA positions 633 to 634, GG replaced by AA.
Protein change: p.Ala212Thr; replaces alanine 212 with threonine.
Molecular consequence: missense variant.
Genome position (GRCh38, 1-based): chr8:107,901,173-107,901,174, CC replaced by TT on the plus strand (GG replaced by AA on the coding strand, the reverse complement: RSPO2 is on the minus strand). VCF-style: chr8-107901173-CC-TT. GRCh37 (hg19) VCF-style: chr8-108913401-CC-TT.
Other names: c.441_442delinsAA, p.Ala148Thr (NM_001282863.2); c.432_433delinsAA, p.Ala145Thr (NM_001317942.2); short protein forms A148T, A145T, A212T.
Identifiers: ClinVar variation 2164560 (VCV002164560.1), dbSNP rs2537199633, ClinGen allele CA2580078542.

ClinVar aggregate classification (germline): Uncertain significance (1 of 4 stars; one submission).

Submission:

Labcorp Genetics (formerly Invitae), Labcorp
Classification: Uncertain significance. Last evaluated: 2022-10-22. Review status: criteria provided, single submitter. Criteria: Invitae Variant Classification Sherloc (09022015). Collection method: clinical testing. Allele origin: germline.
Comment: This sequence change replaces alanine, which is neutral and non-polar, with threonine, which is neutral and polar, at codon 212 of the RSPO2 protein (p.Ala212Thr). Information on the frequency of this variant in the gnomAD database is not available, as this variant may be reported differently in the database. This variant has not been reported in the literature in individuals affected with RSPO2-related conditions. Algorithms developed to predict the effect of missense changes on protein structure and function output the following: SIFT: "Not Available"; PolyPhen-2: "Not Available"; Align-GVGD: "Not Available". The threonine amino acid residue is found in multiple mammalian species, which suggests that this missense change does not adversely affect protein function. In summary, the available evidence is currently insufficient to determine the role of this variant in disease. Therefore, it has been classified as a Variant of Uncertain Significance.